The following is an entry in ClinVar:

NM_153704.6(TMEM67):c.1900A>G (p.Ile634Val)

Gene: TMEM67 (transmembrane protein 67; plus strand). Cytogenetic location: 8q22.1.
Variant type: single nucleotide variant.
Coding change: c.1900A>G on transcript NM_153704.6 (MANE Select); coding-DNA position 1900, A replaced by G.
Protein change: p.Ile634Val; replaces isoleucine 634 with valine.
Molecular consequence: missense variant. On other transcripts: non-coding transcript variant (1).
Genome position (GRCh38, 1-based): chr8:93,797,173, A>G. VCF-style: chr8-93797173-A-G. GRCh37 (hg19) VCF-style: chr8-94809401-A-G.
Other names: c.1657A>G, p.Ile553Val (NM_001142301.1); short protein forms I553V, I634V.
Identifiers: ClinVar variation 3595986 (VCV003595986.2).

ClinVar aggregate classification (germline): Uncertain significance. Review status: criteria provided, multiple submitters, no conflicts (2 of 4 stars). 2 submissions from 2 submitters: Uncertain significance (2). Last evaluated 2026-08-17.

Conditions:
TMEM67-related disorder. Also called: TMEM67-related condition; TMEM67-related disorders. Identifiers: MedGen CN239423.
Nephronophthisis 11 (NPHP11). Identifiers: Orphanet 84081, MedGen C3150796, MONDO:0013302, OMIM 613550.
RHYNS syndrome. Also called: RETINITIS PIGMENTOSA SYNDROME; RETINITIS PIGMENTOSA, HYPOPITUITARISM, NEPHRONOPHTHISIS, AND MILD SKELETAL DYSPLASIA. Identifiers: Orphanet 140976, MedGen C1865794, MONDO:0011202, OMIM 602152.
COACH syndrome 1. Identifiers: Orphanet 1454, MedGen C5435651, MONDO:0800103, OMIM 216360, MONDO:0008996.
Joubert syndrome 6 (JBTS6). Identifiers: Orphanet 475, MedGen C1853153, MONDO:0012539, OMIM 610688.
Meckel syndrome, type 3 (MKS3). Also called: MECKEL-GRUBER SYNDROME, TYPE 3. Identifiers: Orphanet 564, MedGen C1846357, MONDO:0011821, OMIM 607361.
Bardet-Biedl syndrome 14 (BBS14). Identifiers: Orphanet 110, MedGen C2673874, MONDO:0014442, OMIM 615991.

gnomAD v4.1: 17 of 1,612,678 alleles (0.0011%); highest among the groups gnomAD compares: African/African-American, 0.017%; no homozygotes.

Submissions (2):

PreventionGenetics, part of Exact Sciences
Classification: Uncertain significance for TMEM67-related condition. Last evaluated: 2026-08-17. Review status: criteria provided, single submitter. Criteria: ACMG Guidelines, 2015. Collection method: clinical testing. Allele origin: germline.
Comment: The TMEM67 c.1900A>G variant is predicted to result in the amino acid substitution p.Ile634Val. To our knowledge, this variant has not been reported in the literature. This variant is reported in 0.016% of alleles in individuals of African descent in gnomAD. At this time, the clinical significance of this variant is uncertain due to the absence of conclusive functional and genetic evidence.

Fulgent Genetics
Classification: Uncertain significance for COACH syndrome 1; RHYNS syndrome; Meckel syndrome, type 3; Joubert syndrome 6; Nephronophthisis 11; Bardet-Biedl syndrome 14. Last evaluated: 2024-06-18. Review status: criteria provided, single submitter. Criteria: ACMG Guidelines, 2015. Collection method: clinical testing. Allele origin: germline.